The following is an entry in ClinVar:

ClinVar aggregate classification (germline): Uncertain significance (1 of 4 stars; one submission).

Conditions:
Combined immunodeficiency due to DOCK8 deficiency (HIES2). Also called: HIES autosomal recessive; HYPER-IgE SYNDROME 2, AUTOSOMAL RECESSIVE, WITH RECURRENT INFECTIONS; DOCK8 Deficiency; Hyper-IgE recurrent infection syndrome, autosomal recessive; HYPER-IgE RECURRENT INFECTION SYNDROME 2, AUTOSOMAL RECESSIVE. Identifiers: Orphanet 217390, MedGen C4722305, MONDO:0009478, OMIM 243700.

Submission:

Labcorp Genetics (formerly Invitae), Labcorp
Classification: Uncertain significance for Hyper-Immunoglobulin E Syndrome, Autosomal Recessive. Last evaluated: 2019-10-03. Review status: criteria provided, single submitter. Criteria: Invitae Variant Classification Sherloc (09022015). Collection method: clinical testing. Allele origin: germline.
Comment: This sequence change replaces threonine with alanine at codon 1351 of the DOCK8 protein (p.Thr1351Ala). The threonine residue is moderately conserved and there is a small physicochemical difference between threonine and alanine. This variant is not present in population databases (ExAC no frequency). This variant has not been reported in the literature in individuals with DOCK8-related conditions. Algorithms developed to predict the effect of missense changes on protein structure and function are either unavailable or do not agree on the potential impact of this missense change (SIFT: "Deleterious"; PolyPhen-2: "Benign"; Align-GVGD: "Class C0"). In summary, the available evidence is currently insufficient to determine the role of this variant in disease. Therefore, it has been classified as a Variant of Uncertain Significance.

NM_203447.4(DOCK8):c.4051A>G (p.Thr1351Ala)

Gene: DOCK8 (dedicator of cytokinesis 8; plus strand). Cytogenetic location: 9p24.3.
Variant type: single nucleotide variant.
Coding change: c.4051A>G on transcript NM_203447.4 (MANE Select); coding-DNA position 4051, A replaced by G.
Protein change: p.Thr1351Ala; replaces threonine 1351 with alanine.
Molecular consequence: missense variant.
Genome position (GRCh38, 1-based): chr9:420,976, A>G. VCF-style: chr9-420976-A-G. GRCh37 (hg19) VCF-style: chr9-420976-A-G.
Other names: c.3751A>G, p.Thr1251Ala (NM_001190458.2); c.3847A>G, p.Thr1283Ala (NM_001193536.2); short protein forms T1283A, T1351A, T1251A.
Identifiers: ClinVar variation 937656 (VCV000937656.1), dbSNP rs2056251791, ClinGen allele CA372764326.
Genomic context (GRCh38, chr9:420,976, plus strand): 5'-AAGGACATGTCCTCCTACCTCTGTCTTGTCCAGGGAAAACAGAGTTCTGACAAAGTCAGT[A>G]CCCAAGTCCTGCAGAAGTCAAGGGATGTCAAGGCCCGGCTGGAAGAGGCTTTGCTCCGTG-3'
Protein context (NP_982272.2, residues 1341-1361): KGKQSSDKVS[Thr1351Ala]QVLQKSRDVK